The following is an entry in ClinVar:

NM_016222.4(DDX41):c.808G>A (p.Ala270Thr)

Gene: DDX41 (DEAD-box helicase 41; minus strand). Cytogenetic location: 5q35.3.
Variant type: single nucleotide variant.
Coding change: c.808G>A on transcript NM_016222.4 (MANE Select); coding-DNA position 808, G replaced by A.
Protein change: p.Ala270Thr; replaces alanine 270 with threonine.
Molecular consequence: missense variant.
Genome position (GRCh38, 1-based): chr5:177,514,828, C>T on the plus strand (G>A on the coding strand, the complement: DDX41 is on the minus strand). VCF-style: chr5-177514828-C-T. GRCh37 (hg19) VCF-style: chr5-176941829-C-T.
Other names: c.808G>A (NM_016222.2); c.430G>A, p.Ala144Thr (NM_001321830.2, NM_001321732.2); short protein forms A144T, A270T.
Identifiers: ClinVar variation 2698516 (VCV002698516.4), dbSNP rs2532083895, ClinGen allele CA362374983.
Genomic context (GRCh38, chr5:177,514,828, plus strand): 5'-GTGAGCTGTCCTCCTGCAGCAGGCGGCAGTAGTACTCCAGGATGCCATGGGTCTGCCGGG[C>T]CAGCTCCCGCTGCAGGCAGAGGGACAAAGGCTGGCACCAGATGGCAGCCCCAATCTCTGG-3'
Protein context (NP_057306.2, residues 260-280): GLIICPSREL[Ala270Thr]RQTHGILEYY

ClinVar aggregate classification (germline): Uncertain significance. Review status: criteria provided, multiple submitters, no conflicts (2 of 4 stars). 2 submissions from 2 submitters: Uncertain significance (2). Last evaluated 2025-11-10.

Conditions:
Inborn genetic diseases. Identifiers: MedGen C0950123, MeSH D030342.

gnomAD v4.1: 1 of 1,611,398 alleles (0.000062%); highest among the groups gnomAD compares: Non-Finnish European, 0.000085%; no homozygotes.

Submissions (2):

Ambry Genetics
Classification: Uncertain significance for Inborn genetic diseases. Last evaluated: 2025-11-10. Review status: criteria provided, single submitter. Criteria: Ambry Variant Classification Scheme 2023. Collection method: clinical testing. Allele origin: germline.
Comment: The p.A270T variant (also known as c.808G>A), located in coding exon 9 of the DDX41 gene, results from a G to A substitution at nucleotide position 808. The alanine at codon 270 is replaced by threonine, an amino acid with similar properties. This amino acid position is highly conserved in available vertebrate species. In addition, this alteration is predicted to be deleterious by in silico analysis. Based on the available evidence, the clinical significance of this variant remains unclear.

Labcorp Genetics (formerly Invitae), Labcorp
Classification: Uncertain significance. Last evaluated: 2023-12-09. Review status: criteria provided, single submitter. Criteria: Invitae Variant Classification Sherloc (09022015). Collection method: clinical testing. Allele origin: germline.
Comment: This sequence change replaces alanine, which is neutral and non-polar, with threonine, which is neutral and polar, at codon 270 of the DDX41 protein (p.Ala270Thr). This variant is not present in population databases (gnomAD no frequency). This variant has not been reported in the literature in individuals affected with DDX41-related conditions. An algorithm developed to predict the effect of missense changes on protein structure and function (PolyPhen-2) suggests that this variant is likely to be disruptive. In summary, the available evidence is currently insufficient to determine the role of this variant in disease. Therefore, it has been classified as a Variant of Uncertain Significance.